The following is an entry in ClinVar:

ClinVar aggregate classification (germline): Pathogenic. Review status: reviewed by expert panel (3 of 4 stars). 8 submissions from 8 submitters: Pathogenic (1). 7 of the submissions do not count toward it. Last evaluated 2020-11-02.

Conditions:
Glycogen storage disease. Also called: glycogen storage disorder; Disorder of glycogen metabolism. Identifiers: Orphanet 79201, MedGen C0017919, MONDO:0002412.
Glycogen storage disease, type II (IOPD). Also called: POMPE DISEASE, INFANTILE-ONSET; GLYCOGEN STORAGE DISEASE II, INFANTILE-ONSET; ACID ALPHA-GLUCOSIDASE DEFICIENCY, INFANTILE-ONSET; GAA DEFICIENCY, INFANTILE-ONSET; ACID MALTASE DEFICIENCY, INFANTILE-ONSET; Glucosidase acid-1,4-alpha deficiency. Identifiers: Orphanet 365, MedGen C0017921, MONDO:0009290, OMIM 232300.

Submissions (8):

ClinGen Lysosomal Storage Disorder Variant Curation Expert Panel
Classification: Pathogenic for Glycogen storage disease, type II. Last evaluated: 2020-11-02. Review status: reviewed by expert panel. Criteria: ClinGen LSD ACMG Specifications v1. Collection method: curation. Allele origin: germline. Inheritance: Autosomal recessive inheritance.
Comment: This variant, c.482_483del (p.Pro161GlnfsTer15), is a frameshift variant that is predicted to result in a premature termination codon, nonsense mediated decay, and lack of gene product, meeting PVS1. The highest population minor allele frequency in gnomAD v2.1.1 is 0.00001836 in the European non-Finnish population, meeting PM2. Five individuals have been reported with Pompe disease who meet the ClinGen LSD VCEP's specifications for PP4. Of these individuals, three are compound heterozygous for c.-32-13T>G (PMID 9196050, 26873529), one is compound heterozygous for c.-32-3C>A (PMID 21550241; a patient with a similar description is reported in PMIDs 30155607, 21803581), and the second variant was unidentified in the remaining patient (PMID 9196050). The phase of the variants is unknown in these cases. The in trans data for the patient who is compound heterozygous for c.-32-3C>A will be used in the assessment of that variant and was not included here in order to avoid a circular argument. Therefore, PM3_Supporting is met. Additional patients have been reported but were not included because the residual GAA activity was not provided (and therefore PP4 cannot be assessed) or full HGVS nomenclature was not provided (PMIDs 11071489, 28648663, 32248831). There is a ClinVar entry for this variant (Variation ID: 596146, 1 star review status) with one submitter classifying the variant as pathogenic. In summary, this variant meets the criteria to be classified as pathogenic for Pompe disease. GAA-specific ACMG/AMP criteria applied, as specified by the ClinGen LSD VCEP: PVS1, PM2, PM3_Supporting, PP4.

Genomenon, Inc
Classification: Pathogenic for Glycogen storage disease, type II. Last evaluated: 2026-07-01. Review status: criteria provided, single submitter. Criteria: Genomenon Sequence Variant Interpretation Standards - Updated. Collection method: curation. Allele origin: germline. Affected: yes. Not counted in ClinVar's aggregate classification.
Comment: GAA p.Pro161GlnfsTer15 (c.482_483del) is a frameshift variant that is predicted to introduce a premature termination codon and result in a truncated or absent protein product. This variant has been observed in at least one proband with a GAA-related disorder (PMID:32248831;33210402;26873529). It is absent or not present at a significant frequency in gnomAD. In conclusion, we classify GAA p.Pro161GlnfsTer15 (c.482_483del) as a pathogenic variant.

Labcorp Genetics (formerly Invitae), Labcorp
Classification: Pathogenic for Glycogen storage disease, type II. Last evaluated: 2025-12-16. Review status: criteria provided, single submitter. Criteria: Invitae Variant Classification Sherloc (09022015). Collection method: clinical testing. Allele origin: germline. Not counted in ClinVar's aggregate classification.
Comment: This sequence change creates a premature translational stop signal (p.Pro161Glnfs*15) in the GAA gene. It is expected to result in an absent or disrupted protein product. Loss-of-function variants in GAA are known to be pathogenic (PMID: 18425781, 22252923). This variant is present in population databases (rs764750389, gnomAD 0.002%). This premature translational stop signal has been observed in individuals with Pompe disease (PMID: 9196050, 26873529, 28648663). ClinVar contains an entry for this variant (Variation ID: 596146). For these reasons, this variant has been classified as Pathogenic.

NHS Central & South Genomic Laboratory Hub
Classification: Pathogenic for Glycogen storage disease. Last evaluated: 2025-10-21. Review status: criteria provided, single submitter. Criteria: ACMG Guidelines, 2015. Collection method: clinical testing. Allele origin: germline. Affected: yes. Not counted in ClinVar's aggregate classification.

Natera, Inc.
Classification: Pathogenic for Glycogen storage disease type II. Last evaluated: 2025-05-02. Review status: criteria provided, single submitter. Criteria: Natera Variant Classification Schema (03/2026). Collection method: clinical testing. Allele origin: germline. Not counted in ClinVar's aggregate classification.
Comment: The c.482_483del variant in GAA is a frameshift variant predicted to shift the reading frame beginning at codon 161 and leads to a stop codon 15 codons downstream. This variant is expected to result in nonsense mediated decay, truncation, or a dysfunctional protein product. This variant is rare in the general population with a frequency below the threshold expected for the associated phenotype(s). This variant has been observed in one or more individuals affected with the associated recessive disease, as either homozygous or compound heterozygous with a second variant (PMID: 9196050). Given the available evidence, this variant is classified as Pathogenic.

Revvity Omics, Revvity
Classification: Pathogenic. Last evaluated: 2024-10-17. Review status: criteria provided, single submitter. Criteria: ACMG Guidelines, 2015. Collection method: clinical testing. Allele origin: germline. Not counted in ClinVar's aggregate classification.

Women's Health and Genetics/Laboratory Corporation of America, LabCorp
Classification: Pathogenic for Glycogen storage disease, type II. Last evaluated: 2021-12-01. Review status: criteria provided, single submitter. Criteria: LabCorp Variant Classification Summary - May 2015. Collection method: clinical testing. Allele origin: germline. Not counted in ClinVar's aggregate classification.
Comment: Variant summary: GAA c.482_483delCC (p.Pro161GlnfsX15) results in a premature termination codon, predicted to cause a truncation of the encoded protein or absence of the protein due to nonsense mediated decay, which are commonly known mechanisms for disease. Truncations downstream of this position have been classified as pathogenic by our laboratory. The variant allele was found at a frequency of 8.2e-06 in 245102 control chromosomes (gnomAD). c.482_483delCC has been reported in the literature in multiple individuals affected with Glycogen Storage Disease, Type 2 (Pompe Disease) (Nicolino_1997, Stepien_2016). These data indicate that the variant is very likely to be associated with disease. To our knowledge, no experimental evidence demonstrating an impact on protein function has been reported. Four ClinVar submitters (evaluation after 2014) cite the variant as pathogenic. Based on the evidence outlined above, the variant was classified as pathogenic.

Eurofins Ntd Llc (ga)
Classification: Pathogenic. Last evaluated: 2018-02-14. Review status: criteria provided, single submitter. Criteria: EGL ClinVar v180209 classification definitions. Collection method: clinical testing. Allele origin: germline. Observed: 1 variant allele, 1 heterozygote. Not counted in ClinVar's aggregate classification.

Literature cited by the submitters: PubMed 26873529 (cited by 4 submitters); PubMed 21550241 (cited by ClinGen Lysosomal Storage Disorder Variant Curation Expert Panel); PubMed 30155607 (cited by ClinGen Lysosomal Storage Disorder Variant Curation Expert Panel); PubMed 32248831 (cited by ClinGen Lysosomal Storage Disorder Variant Curation Expert Panel and Genomenon, Inc); PubMed 28648663 (cited by 3 submitters); PubMed 11071489 (cited by ClinGen Lysosomal Storage Disorder Variant Curation Expert Panel); PubMed 21803581 (cited by ClinGen Lysosomal Storage Disorder Variant Curation Expert Panel); PubMed 9196050 (cited by 5 submitters); PubMed 33210402 (cited by Genomenon, Inc); PubMed 18425781 (cited by Labcorp Genetics (formerly Invitae), Labcorp); PubMed 22252923 (cited by Labcorp Genetics (formerly Invitae), Labcorp).

NM_000152.5(GAA):c.482_483del (p.Pro161fs)

Gene: GAA (alpha glucosidase; plus strand). Cytogenetic location: 17q25.3.
Variant type: Deletion.
Coding change: c.482_483del on transcript NM_000152.5 (MANE Select); coding-DNA positions 482 to 483, 2 bases deleted (CC; older notation c.482_483delCC).
Protein change: p.Pro161fs; shifts the reading frame from proline 161.
Molecular consequence: frameshift variant.
Genome position (GRCh38, 1-based): chr17:80,105,068-80,105,069, CC deleted; deleting any 2 consecutive bases within chr17:80,105,066-80,105,069 gives the same sequence; the c. name uses the placement nearest the transcript's 3' end. VCF-style (leftmost placement, unchanged base first): chr17-80105065-TCC-T. GRCh37 (hg19) VCF-style: chr17-78078864-TCC-T.
Other names: c.482_483del (NM_000152.4); c.482_483del, p.Pro161fs (NM_001079803.3, NM_001079804.3); short protein forms P161fs.
Identifiers: ClinVar variation 596146 (VCV000596146.27), dbSNP rs764750389, ClinGen allele CA8814879.